The following is an entry in ClinVar:

NM_024656.4(COLGALT1):c.40C>T (p.Pro14Ser)

Genes: COLGALT1 (collagen beta(1-O)galactosyltransferase 1; plus strand), LOC130063952 (ATAC-STARR-seq lymphoblastoid silent region 10355; plus strand). Cytogenetic location: 19p13.11.
Variant type: single nucleotide variant.
Coding change: c.40C>T on transcript NM_024656.4 (MANE Select); coding-DNA position 40, C replaced by T.
Protein change: p.Pro14Ser; replaces proline 14 with serine.
Molecular consequence: missense variant.
Genome position (GRCh38, 1-based): chr19:17,555,753, C>T. VCF-style: chr19-17555753-C-T. GRCh37 (hg19) VCF-style: chr19-17666562-C-T.
Other names: c.40C>T (NM_024656.2); short protein forms P14S.
Identifiers: ClinVar variation 1973108 (VCV001973108.5), dbSNP rs955092262, ClinGen allele CA306084680.

ClinVar aggregate classification (germline): Conflicting classifications of pathogenicity. Review status: criteria provided, conflicting classifications (1 of 4 stars). 2 submissions from 2 submitters: Uncertain significance (1); Likely benign (1). Last evaluated 2023-12-11.

Conditions:
Inborn genetic diseases. Identifiers: MedGen C0950123, MeSH D030342.

Allele frequency attached by ClinVar (database versions not stated): 1000 Genomes Project 30x 0.00016; gnomAD 0.00034; TOPMed 0.00039.
gnomAD v4.1: 69 of 1,214,916 alleles (0.0057%); highest among the groups gnomAD compares: African/African-American, 0.087%; no homozygotes.

Submissions (2):

Labcorp Genetics (formerly Invitae), Labcorp
Classification: Uncertain significance. Last evaluated: 2023-12-11. Review status: criteria provided, single submitter. Criteria: Invitae Variant Classification Sherloc (09022015). Collection method: clinical testing. Allele origin: germline.
Comment: This sequence change replaces proline, which is neutral and non-polar, with serine, which is neutral and polar, at codon 14 of the COLGALT1 protein (p.Pro14Ser). This variant is present in population databases (no rsID available, gnomAD 0.07%). This variant has not been reported in the literature in individuals affected with COLGALT1-related conditions. ClinVar contains an entry for this variant (Variation ID: 1973108). Algorithms developed to predict the effect of missense changes on protein structure and function output the following: SIFT: "Not Available"; PolyPhen-2: "Not Available"; Align-GVGD: "Not Available". The serine amino acid residue is found in multiple mammalian species, which suggests that this missense change does not adversely affect protein function. In summary, the available evidence is currently insufficient to determine the role of this variant in disease. Therefore, it has been classified as a Variant of Uncertain Significance.

Ambry Genetics
Classification: Likely benign for Inborn genetic diseases. Last evaluated: 2023-01-23. Review status: criteria provided, single submitter. Criteria: Ambry Variant Classification Scheme 2023. Collection method: clinical testing. Allele origin: germline.